The following is an entry in ClinVar:

ClinVar aggregate classification (germline): Uncertain significance (1 of 4 stars; one submission).

Conditions:
Hypertrophic cardiomyopathy. Also called: HYPERTROPHIC MYOCARDIOPATHY. Identifiers: Orphanet 217569, MedGen C0007194, MeSH D002312, MONDO:0005045, HP:0001639.

Submission:

Labcorp Genetics (formerly Invitae), Labcorp
Classification: Uncertain significance for Hypertrophic cardiomyopathy. Last evaluated: 2021-03-07. Review status: criteria provided, single submitter. Criteria: Invitae Variant Classification Sherloc (09022015). Collection method: clinical testing. Allele origin: germline.
Comment: This sequence change replaces aspartic acid with glutamic acid at codon 252 of the JPH2 protein (p.Asp252Glu). The aspartic acid residue is weakly conserved and there is a small physicochemical difference between aspartic acid and glutamic acid. This variant is not present in population databases (ExAC no frequency). This variant has not been reported in the literature in individuals with JPH2-related conditions. Algorithms developed to predict the effect of missense changes on protein structure and function output the following: SIFT: "Tolerated"; PolyPhen-2: "Benign"; Align-GVGD: "Class C0". The glutamic acid amino acid residue is found in multiple mammalian species, suggesting that this missense change does not adversely affect protein function. These predictions have not been confirmed by published functional studies and their clinical significance is uncertain. In summary, the available evidence is currently insufficient to determine the role of this variant in disease. Therefore, it has been classified as a Variant of Uncertain Significance.

NM_020433.5(JPH2):c.756C>A (p.Asp252Glu)

Gene: JPH2 (junctophilin 2; minus strand). Cytogenetic location: 20q13.12.
Variant type: single nucleotide variant.
Coding change: c.756C>A on transcript NM_020433.5 (MANE Select); coding-DNA position 756, C replaced by A.
Protein change: p.Asp252Glu; replaces aspartic acid 252 with glutamic acid.
Molecular consequence: missense variant.
Genome position (GRCh38, 1-based): chr20:44,160,031, G>T on the plus strand (C>A on the coding strand, the complement: JPH2 is on the minus strand). VCF-style: chr20-44160031-G-T. GRCh37 (hg19) VCF-style: chr20-42788671-G-T.
Other names: short protein forms D252E.
Identifiers: ClinVar variation 1348042 (VCV001348042.8), dbSNP rs2145879184, ClinGen allele CA409093738.